The following is an entry in ClinVar:

ClinVar aggregate classification (germline): Conflicting classifications of pathogenicity. Review status: criteria provided, conflicting classifications (1 of 4 stars). 3 submissions from 3 submitters: Likely pathogenic (1); Uncertain significance (2). Last evaluated 2024-06-09.

Conditions:
Cognitive impairment with or without cerebellar ataxia (CIAT). Identifiers: MedGen C3280415, MONDO:0013680, OMIM 614306.
Early-infantile DEE. Also called: Early infantile epileptic encephalopathy with suppression bursts; Ohtahara syndrome; Early infantile epileptic encephalopathy. Identifiers: Orphanet 1934, MedGen C0393706, MONDO:0800491.

Submissions (3):

Labcorp Genetics (formerly Invitae), Labcorp
Classification: Uncertain significance for Early-infantile DEE. Last evaluated: 2024-06-09. Review status: criteria provided, single submitter. Criteria: Invitae Variant Classification Sherloc (09022015). Collection method: clinical testing. Allele origin: germline.
Comment: This sequence change replaces arginine, which is basic and polar, with glutamine, which is neutral and polar, at codon 844 of the SCN8A protein (p.Arg844Gln). This variant is not present in population databases (gnomAD no frequency). This variant has not been reported in the literature in individuals affected with SCN8A-related conditions. ClinVar contains an entry for this variant (Variation ID: 995416). Advanced modeling of protein sequence and biophysical properties (such as structural, functional, and spatial information, amino acid conservation, physicochemical variation, residue mobility, and thermodynamic stability) performed at Invitae indicates that this missense variant is expected to disrupt SCN8A protein function with a positive predictive value of 95%. In summary, the available evidence is currently insufficient to determine the role of this variant in disease. Therefore, it has been classified as a Variant of Uncertain Significance.

Blueprint Genetics
Classification: Uncertain significance. Last evaluated: 2023-02-14. Review status: criteria provided, single submitter. Criteria: ACMG Guidelines, 2015. Collection method: clinical testing. Allele origin: germline.

MVZ Martinsried, Medicover Genetics
Classification: Likely pathogenic for Cognitive impairment with or without cerebellar ataxia. Last evaluated: 2020-10-27. Review status: criteria provided, single submitter. Criteria: ACGS Guidelines, 2020. Collection method: clinical testing. Allele origin: de novo. Affected: yes.

NM_001330260.2(SCN8A):c.2531G>A (p.Arg844Gln)

Gene: SCN8A (sodium voltage-gated channel alpha subunit 8; plus strand). Cytogenetic location: 12q13.13.
Variant type: single nucleotide variant.
Coding change: c.2531G>A on transcript NM_001330260.2 (MANE Select); coding-DNA position 2531, G replaced by A.
Protein change: p.Arg844Gln; replaces arginine 844 with glutamine.
Molecular consequence: missense variant.
Genome position (GRCh38, 1-based): chr12:51,762,663, G>A. VCF-style: chr12-51762663-G-A. GRCh37 (hg19) VCF-style: chr12-52156447-G-A.
Other names: c.2531G>A, p.Arg844Gln (NM_001177984.3, NM_001369788.1, NM_014191.4); short protein forms R844Q.
Identifiers: ClinVar variation 995416 (VCV000995416.4), dbSNP rs1476532344, ClinGen allele CA384884760.